The following is an entry in ClinVar:

NM_176787.5(PIGN):c.1965A>C (p.Leu655Phe)

Gene: PIGN (phosphatidylinositol glycan anchor biosynthesis class N; minus strand). Cytogenetic location: 18q21.33.
Variant type: single nucleotide variant.
Coding change: c.1965A>C on transcript NM_176787.5 (MANE Select); coding-DNA position 1965, A replaced by C.
Protein change: p.Leu655Phe; replaces leucine 655 with phenylalanine.
Molecular consequence: missense variant.
Genome position (GRCh38, 1-based): chr18:62,102,797, T>G on the plus strand (A>C on the coding strand, the complement: PIGN is on the minus strand). VCF-style: chr18-62102797-T-G. GRCh37 (hg19) VCF-style: chr18-59770030-T-G.
Other names: c.1965A>C, p.Leu655Phe (NM_012327.6); short protein forms L655F.
Identifiers: ClinVar variation 2125617 (VCV002125617.4), dbSNP rs2512855830, ClinGen allele CA402603945.

ClinVar aggregate classification (germline): Uncertain significance (1 of 4 stars; one submission).

Conditions:
Multiple congenital anomalies-hypotonia-seizures syndrome 1 (MCAHS1). Also called: GLYCOSYLPHOSPHATIDYLINOSITOL BIOSYNTHESIS DEFECT 3; PIGN-CDG; Congenital disorder of glycosylation due to PIGN deficiency. Identifiers: Orphanet 280633, MedGen C3279775, MONDO:0013563, OMIM 614080.

Submission:

Labcorp Genetics (formerly Invitae), Labcorp
Classification: Uncertain significance for Multiple congenital anomalies-hypotonia-seizures syndrome 1. Last evaluated: 2022-04-12. Review status: criteria provided, single submitter. Criteria: Invitae Variant Classification Sherloc (09022015). Collection method: clinical testing. Allele origin: germline.
Comment: This variant has not been reported in the literature in individuals affected with PIGN-related conditions. This variant is not present in population databases (gnomAD no frequency). This sequence change replaces leucine, which is neutral and non-polar, with phenylalanine, which is neutral and non-polar, at codon 655 of the PIGN protein (p.Leu655Phe). In summary, the available evidence is currently insufficient to determine the role of this variant in disease. Therefore, it has been classified as a Variant of Uncertain Significance. Algorithms developed to predict the effect of missense changes on protein structure and function output the following: SIFT: "Not Available"; PolyPhen-2: "Benign"; Align-GVGD: "Not Available". The phenylalanine amino acid residue is found in multiple mammalian species, which suggests that this missense change does not adversely affect protein function.